The following is an entry in ClinVar:

ClinVar aggregate classification (germline): Pathogenic (1 of 4 stars; one submission).

Conditions:
Hereditary cancer-predisposing syndrome. Also called: Neoplastic Syndromes, Hereditary; Tumor predisposition; Hereditary Cancer Syndrome; Hereditary neoplastic syndrome. Identifiers: Orphanet 140162, MedGen C0027672, MeSH D009386, MONDO:0015356.

Submission:

Ambry Genetics
Classification: Pathogenic for Hereditary cancer-predisposing syndrome. Last evaluated: 2025-11-07. Review status: criteria provided, single submitter. Criteria: Ambry Variant Classification Scheme 2023. Collection method: clinical testing. Allele origin: germline.
Comment: The c.1744-3T>G intronic pathogenic mutation results from a T to G substitution 3 nucleotides upstream from coding exon 14 in the APC gene. This alteration has been observed in multiple individuals who have a personal or family history that is consistent with APC-related familial adenomatous polyposis (Plawski A et al. J. Appl. Genet., 2008;49:407-14; Ambry internal data). RNA studies have demonstrated that this alteration results in abnormal splicing in the set of samples tested (Ambry internal data). Another variant impacting the same acceptor site (c.1744-4C>G) has been shown to have a similar impact on splicing in individuals with features consistent with APC-related familial adenomatous polyposis (Plawski A et al. J. Appl. Genet., 2008;49:407-14; Ambry internal data). This nucleotide position is well conserved in available vertebrate species. In silico splice site analysis predicts that this alteration will weaken the native splice acceptor site. This variant is considered to be rare based on population cohorts in the Genome Aggregation Database (gnomAD). Based on the supporting evidence, this variant is interpreted as a disease-causing mutation.

Literature cited by the submitters: PubMed 19029688.

NM_000038.6(APC):c.1744-3T>G

Gene: APC (APC regulator of Wnt signaling pathway; plus strand). Cytogenetic location: 5q22.2.
Variant type: single nucleotide variant.
Coding change: c.1744-3T>G on transcript NM_000038.6 (MANE Select); 3 bases into the intron before coding-DNA position 1744, T replaced by G.
Molecular consequence: intron variant.
Genome position (GRCh38, 1-based): chr5:112,834,948, T>G. VCF-style: chr5-112834948-T-G. GRCh37 (hg19) VCF-style: chr5-112170645-T-G.
Other names: c.1744-3T>G (NM_001354895.2, NM_001127510.3); c.1774-3T>G (NM_001354897.2); c.1471-3T>G (NM_001354902.2); c.1690-3T>G (NM_001127511.3); c.1669-3T>G (NM_001354898.2); c.1366-3T>G (NM_001354904.2); c.895-3T>G (NM_001354906.2); c.1798-3T>G (NM_001354896.2); and 5 more.
Identifiers: ClinVar variation 819988 (VCV000819988.5), dbSNP rs760166803, ClinGen allele CA645562806.